The following is an entry in ClinVar:

ClinVar aggregate classification (germline): Benign. Review status: criteria provided, multiple submitters, no conflicts (2 of 4 stars). 3 submissions from 3 submitters: Benign (2). 1 of the submissions does not count toward it. Last evaluated 2016-03-29.

Conditions:
SPEN-related disorder. Also called: SPEN-related condition.

Submissions (3):

Laboratory for Molecular Medicine, Mass General Brigham Personalized Medicine
Classification: Benign. Last evaluated: 2016-03-29. Review status: criteria provided, single submitter. Criteria: LMM Criteria. Collection method: clinical testing. Allele origin: germline.
Comment: Variant identified in a genome or exome case(s) and assessed due to predicted null impact of the variant or pathogenic assertions in the literature or databases. Disclaimer: This variant has not undergone full assessment. The following are preliminary notes: Fails ExAC quality filter

Breakthrough Genomics
Classification: Benign. Review status: criteria provided, single submitter. Criteria: ACMG Guidelines, 2015. Collection method: not provided. Allele origin: germline. Inheritance: Autosomal dominant inheritance. Affected: yes.

PreventionGenetics, part of Exact Sciences
Classification: Benign for SPEN-related condition. Last evaluated: 2019-03-29. Review status: no assertion criteria provided. Collection method: clinical testing. Allele origin: germline. Not counted in ClinVar's aggregate classification.
Comment: This variant is classified as benign based on ACMG/AMP sequence variant interpretation guidelines (Richards et al. 2015 PMID: 25741868, with internal and published modifications).

NM_015001.3(SPEN):c.9736A>C (p.Thr3246Pro)

Gene: SPEN (spen family transcriptional repressor; plus strand). Cytogenetic location: 1p36.13.
Variant type: single nucleotide variant.
Coding change: c.9736A>C on transcript NM_015001.3 (MANE Select); coding-DNA position 9736, A replaced by C.
Protein change: p.Thr3246Pro; replaces threonine 3246 with proline.
Molecular consequence: missense variant.
Genome position (GRCh38, 1-based): chr1:15,935,976, A>C. VCF-style: chr1-15935976-A-C. GRCh37 (hg19) VCF-style: chr1-16262471-A-C.
Other names: short protein forms T3246P.
Identifiers: ClinVar variation 403486 (VCV000403486.7), dbSNP rs769360962, ClinGen allele CA620548.